The following is an entry in ClinVar:

ClinVar aggregate classification (germline): Uncertain significance (1 of 4 stars; one submission).

Allele frequency attached by ClinVar (database versions not stated): gnomAD exomes below 0.00001; gnomAD 0.00001; TOPMed 0.00001.
gnomAD v4.1: 3 of 1,613,778 alleles (0.00019%); highest among the groups gnomAD compares: Non-Finnish European, 0.00025%; no homozygotes.

Submission:

Labcorp Genetics (formerly Invitae), Labcorp
Classification: Uncertain significance. Last evaluated: 2023-11-25. Review status: criteria provided, single submitter. Criteria: Invitae Variant Classification Sherloc (09022015). Collection method: clinical testing. Allele origin: germline.
Comment: This sequence change replaces glutamic acid, which is acidic and polar, with aspartic acid, which is acidic and polar, at codon 156 of the CDC42 protein (p.Glu156Asp). This variant is present in population databases (no rsID available, gnomAD 0.0009%). This variant has not been reported in the literature in individuals affected with CDC42-related conditions. An algorithm developed to predict the effect of missense changes on protein structure and function (PolyPhen-2) suggests that this variant is likely to be disruptive. In summary, the available evidence is currently insufficient to determine the role of this variant in disease. Therefore, it has been classified as a Variant of Uncertain Significance.

NM_001791.4(CDC42):c.468G>C (p.Glu156Asp)

Gene: CDC42 (cell division cycle 42; plus strand). Cytogenetic location: 1p36.12.
Variant type: single nucleotide variant.
Coding change: c.468G>C on transcript NM_001791.4 (MANE Select); coding-DNA position 468, G replaced by C.
Protein change: p.Glu156Asp; replaces glutamic acid 156 with aspartic acid.
Molecular consequence: missense variant.
Genome position (GRCh38, 1-based): chr1:22,086,848, G>C. VCF-style: chr1-22086848-G-C. GRCh37 (hg19) VCF-style: chr1-22413341-G-C.
Other names: c.468G>C, p.Glu156Asp (NM_001039802.2, NM_044472.3); short protein forms E156D.
Identifiers: ClinVar variation 2963706 (VCV002963706.3), dbSNP rs758444709, ClinGen allele CA338907918.